The following is an entry in ClinVar:

ClinVar aggregate classification (germline): Uncertain significance. Review status: criteria provided, single submitter (1 of 4 stars). 2 submissions from 2 submitters: Uncertain significance (1). 1 of the submissions does not count toward it. Last evaluated 2022-10-17.

Conditions:
Cohen syndrome (COH1). Also called: Cutis verticis gyrata, retinitis pigmentosa, and sensorineural deafness; PEPPER SYNDROME. Identifiers: Orphanet 193, MedGen C0265223, MONDO:0008999, OMIM 216550.

Allele frequency attached by ClinVar (database versions not stated): gnomAD exomes below 0.00001; TOPMed 0.00001.
gnomAD v4.1: 8 of 1,596,868 alleles (0.0005%); highest among the groups gnomAD compares: South Asian, 0.0011%; no homozygotes.

Submissions (2):

Labcorp Genetics (formerly Invitae), Labcorp
Classification: Uncertain significance for Cohen syndrome. Last evaluated: 2022-10-17. Review status: criteria provided, single submitter. Criteria: Invitae Variant Classification Sherloc (09022015). Collection method: clinical testing. Allele origin: germline.
Comment: This sequence change affects codon 3748 of the VPS13B mRNA. It is a 'silent' change, meaning that it does not change the encoded amino acid sequence of the VPS13B protein. The frequency data for this variant in the population databases is considered unreliable, as metrics indicate poor data quality at this position in the gnomAD database. This variant has not been reported in the literature in individuals affected with VPS13B-related conditions. ClinVar contains an entry for this variant (Variation ID: 958719). Algorithms developed to predict the effect of sequence changes on RNA splicing suggest that this variant may disrupt the consensus splice site. In summary, the available evidence is currently insufficient to determine the role of this variant in disease. Therefore, it has been classified as a Variant of Uncertain Significance.

Natera, Inc.
Classification: Uncertain significance for Cohen syndrome. Last evaluated: 2020-10-21. Review status: no assertion criteria provided. Collection method: clinical testing. Allele origin: germline. Not counted in ClinVar's aggregate classification.

NM_152564.5(VPS13B):c.11169C>T (p.Gly3723=)

Gene: VPS13B (vacuolar protein sorting 13 homolog B; plus strand). Cytogenetic location: 8q22.2.
Variant type: single nucleotide variant.
Coding change: c.11169C>T on transcript NM_152564.5 (MANE Select); coding-DNA position 11169, C replaced by T.
Protein change: p.Gly3723=; no amino-acid change (glycine 3723 retained).
Molecular consequence: synonymous variant.
Genome position (GRCh38, 1-based): chr8:99,861,900, C>T. VCF-style: chr8-99861900-C-T. GRCh37 (hg19) VCF-style: chr8-100874128-C-T.
Other names: c.11244C>T, p.Gly3748= (NM_017890.5).
Identifiers: ClinVar variation 958719 (VCV000958719.10), dbSNP rs1175793742, ClinGen allele CA462338386.